The following is an entry in ClinVar:

NM_004281.4(BAG3):c.329C>T (p.Pro110Leu)

Gene: BAG3 (BAG cochaperone 3; plus strand). Cytogenetic location: 10q26.11.
Variant type: single nucleotide variant.
Coding change: c.329C>T on transcript NM_004281.4 (MANE Select); coding-DNA position 329, C replaced by T.
Protein change: p.Pro110Leu; replaces proline 110 with leucine.
Molecular consequence: missense variant.
Genome position (GRCh38, 1-based): chr10:119,669,999, C>T. VCF-style: chr10-119669999-C-T. GRCh37 (hg19) VCF-style: chr10-121429511-C-T.
Other names: short protein forms P110L.
Identifiers: ClinVar variation 1305591 (VCV001305591.8), dbSNP rs749587347, ClinGen allele CA378294871.
Genomic context (GRCh38, chr10:119,669,999, plus strand): 5'-GACCAGGCTACATTCCCATTCCTGTGCTCCATGAAGGCGCTGAGAACCGGCAGGTGCACC[C>T]TTTCCATGTCTATCCCCAGCCTGGGATGCAGCGATTCCGAACTGAGGCGGCAGCAGCGGC-3'
Protein context (NP_004272.2, residues 100-120): HEGAENRQVH[Pro110Leu]FHVYPQPGMQ

ClinVar aggregate classification (germline): Uncertain significance. Review status: criteria provided, multiple submitters, no conflicts (2 of 4 stars). 3 submissions from 3 submitters: Uncertain significance (3). Last evaluated 2023-12-11.

Conditions:
Cardiovascular phenotype. Identifiers: MedGen CN230736.
Myofibrillar myopathy 6. Identifiers: Orphanet 199340, MedGen C2751831, MONDO:0013061, OMIM 612954.
Dilated cardiomyopathy 1HH (CMD1HH). Identifiers: Orphanet 154, MedGen C3151293, MONDO:0013479, OMIM 613881.

gnomAD v4.1: 1 of 1,614,246 alleles (0.000062%); highest among the groups gnomAD compares: Non-Finnish European, 0.000085%; no homozygotes.

Submissions (3):

Labcorp Genetics (formerly Invitae), Labcorp
Classification: Uncertain significance for Dilated cardiomyopathy 1HH; Myofibrillar myopathy 6. Last evaluated: 2023-12-11. Review status: criteria provided, single submitter. Criteria: Invitae Variant Classification Sherloc (09022015). Collection method: clinical testing. Allele origin: germline.
Comment: This sequence change replaces proline, which is neutral and non-polar, with leucine, which is neutral and non-polar, at codon 110 of the BAG3 protein (p.Pro110Leu). This variant is not present in population databases (gnomAD no frequency). This variant has not been reported in the literature in individuals affected with BAG3-related conditions. ClinVar contains an entry for this variant (Variation ID: 1305591). Advanced modeling of protein sequence and biophysical properties (such as structural, functional, and spatial information, amino acid conservation, physicochemical variation, residue mobility, and thermodynamic stability) performed at Invitae indicates that this missense variant is not expected to disrupt BAG3 protein function with a negative predictive value of 80%. In summary, the available evidence is currently insufficient to determine the role of this variant in disease. Therefore, it has been classified as a Variant of Uncertain Significance.

Ambry Genetics
Classification: Uncertain significance for Cardiovascular phenotype. Last evaluated: 2021-11-09. Review status: criteria provided, single submitter. Criteria: Ambry Variant Classification Scheme 2023. Collection method: clinical testing. Allele origin: germline.
Comment: The p.P110L variant (also known as c.329C>T), located in coding exon 2 of the BAG3 gene, results from a C to T substitution at nucleotide position 329. The proline at codon 110 is replaced by leucine, an amino acid with similar properties. This amino acid position is conserved. In addition, this alteration is predicted to be tolerated by in silico analysis. Since supporting evidence is limited at this time, the clinical significance of this alteration remains unclear.

GeneDx
Classification: Uncertain significance. Last evaluated: 2019-05-01. Review status: criteria provided, single submitter. Criteria: GeneDx Variant Classification Process June 2021. Collection method: clinical testing. Allele origin: germline. Affected: yes.
Comment: Has not been previously published as pathogenic or benign to our knowledge; Not observed in large population cohorts (Lek et al., 2016); In silico analysis, which includes protein predictors and evolutionary conservation, supports a deleterious effect